The following is an entry in ClinVar:

NM_001130009.3(GEN1):c.1849G>A (p.Glu617Lys)

Gene: GEN1 (GEN1 structure-specific endonuclease; plus strand). Cytogenetic location: 2p24.2.
Variant type: single nucleotide variant.
Coding change: c.1849G>A on transcript NM_001130009.3 (MANE Select); coding-DNA position 1849, G replaced by A.
Protein change: p.Glu617Lys; replaces glutamic acid 617 with lysine.
Molecular consequence: missense variant.
Genome position (GRCh38, 1-based): chr2:17,781,061, G>A. VCF-style: chr2-17781061-G-A. GRCh37 (hg19) VCF-style: chr2-17962328-G-A.
Other names: c.1849G>A (NM_001130009.1); c.1849G>A, p.Glu617Lys (NM_182625.5); short protein forms E617K.
Identifiers: ClinVar variation 1930248 (VCV001930248.6), dbSNP rs760492196, ClinGen allele CA1540840.

ClinVar aggregate classification (germline): Uncertain significance. Review status: criteria provided, multiple submitters, no conflicts (2 of 4 stars). 2 submissions from 2 submitters: Uncertain significance (2). Last evaluated 2025-09-28.

Allele frequency attached by ClinVar (database versions not stated): gnomAD exomes below 0.00001; ExAC 0.00001.
gnomAD v4.1: 1 of 1,613,854 alleles (0.000062%); highest among the groups gnomAD compares: East Asian, 0.0022%; no homozygotes.

Submissions (2):

Ambry Genetics
Classification: Uncertain significance. Last evaluated: 2025-09-28. Review status: criteria provided, single submitter. Criteria: Ambry Variant Classification Scheme 2023. Collection method: clinical testing. Allele origin: germline.
Comment: The p.E617K variant (also known as c.1849G>A), located in coding exon 13 of the GEN1 gene, results from a G to A substitution at nucleotide position 1849. The glutamic acid at codon 617 is replaced by lysine, an amino acid with similar properties. This amino acid position is conserved. In addition, this alteration is predicted to be tolerated by in silico analysis. Based on the available evidence, the clinical significance of this variant remains unclear.

Labcorp Genetics (formerly Invitae), Labcorp
Classification: Uncertain significance. Last evaluated: 2022-08-22. Review status: criteria provided, single submitter. Criteria: Invitae Variant Classification Sherloc (09022015). Collection method: clinical testing. Allele origin: germline.
Comment: In summary, the available evidence is currently insufficient to determine the role of this variant in disease. Therefore, it has been classified as a Variant of Uncertain Significance. Algorithms developed to predict the effect of missense changes on protein structure and function output the following: SIFT: "Deleterious"; PolyPhen-2: "Benign"; Align-GVGD: "Class C0". The lysine amino acid residue is found in multiple mammalian species, which suggests that this missense change does not adversely affect protein function. This variant has not been reported in the literature in individuals affected with GEN1-related conditions. This variant is present in population databases (rs760492196, gnomAD 0.006%). This sequence change replaces glutamic acid, which is acidic and polar, with lysine, which is basic and polar, at codon 617 of the GEN1 protein (p.Glu617Lys).